The following is an entry in ClinVar:

NM_017827.4(SARS2):c.146G>A (p.Arg49His)

Genes: SARS2 (seryl-tRNA synthetase 2, mitochondrial; minus strand), LOC130064387 (ATAC-STARR-seq lymphoblastoid active region 14604; plus strand). Cytogenetic location: 19q13.2.
Variant type: single nucleotide variant.
Coding change: c.146G>A on transcript NM_017827.4 (MANE Select); coding-DNA position 146, G replaced by A.
Protein change: p.Arg49His; replaces arginine 49 with histidine.
Molecular consequence: missense variant.
Genome position (GRCh38, 1-based): chr19:38,930,591, C>T on the plus strand (G>A on the coding strand, the complement: SARS2 is on the minus strand). VCF-style: chr19-38930591-C-T. GRCh37 (hg19) VCF-style: chr19-39421231-C-T.
Other names: c.146G>A, p.Arg49His (NM_001145901.2); short protein forms R49H.
Identifiers: ClinVar variation 2048371 (VCV002048371.5), dbSNP rs577688657, ClinGen allele CA9423339.

ClinVar aggregate classification (germline): Uncertain significance. Review status: criteria provided, multiple submitters, no conflicts (2 of 4 stars). 2 submissions from 2 submitters: Uncertain significance (2). Last evaluated 2024-04-29.

Conditions:
Hyperuricemia, pulmonary hypertension, renal failure, alkalosis syndrome (HUPRAS). Also called: HUPRA SYNDROME; HYPERURICEMIA, PULMONARY HYPERTENSION, RENAL FAILURE, AND ALKALOSIS SYNDROME. Identifiers: Orphanet 363694, MedGen C3151209, MONDO:0013458, OMIM 613845.

Allele frequency attached by ClinVar (database versions not stated): gnomAD 0.00003; TOPMed 0.00006; ExAC 0.00007.
gnomAD v4.1: 134 of 1,613,940 alleles (0.0083%); highest among the groups gnomAD compares: Non-Finnish European, 0.011%; no homozygotes.

Submissions (2):

Labcorp Genetics (formerly Invitae), Labcorp
Classification: Uncertain significance. Last evaluated: 2024-04-29. Review status: criteria provided, single submitter. Criteria: Invitae Variant Classification Sherloc (09022015). Collection method: clinical testing. Allele origin: germline.
Comment: This sequence change replaces arginine, which is basic and polar, with histidine, which is basic and polar, at codon 49 of the SARS2 protein (p.Arg49His). This variant is present in population databases (rs577688657, gnomAD 0.01%). This variant has not been reported in the literature in individuals affected with SARS2-related conditions. ClinVar contains an entry for this variant (Variation ID: 2048371). An algorithm developed to predict the effect of missense changes on protein structure and function (PolyPhen-2) suggests that this variant is likely to be disruptive. In summary, the available evidence is currently insufficient to determine the role of this variant in disease. Therefore, it has been classified as a Variant of Uncertain Significance.

Fulgent Genetics
Classification: Uncertain significance for Hyperuricemia, pulmonary hypertension, renal failure, alkalosis syndrome. Last evaluated: 2024-04-22. Review status: criteria provided, single submitter. Criteria: ACMG Guidelines, 2015. Collection method: clinical testing. Allele origin: germline.